The following is an entry in ClinVar:

ClinVar aggregate classification (germline): Uncertain significance (1 of 4 stars; one submission).

Conditions:
Hereditary breast ovarian cancer syndrome. Also called: Hereditary breast and/or ovarian cancer syndrome; Hereditary breast and ovarian cancer syndrome; Breast and ovarian cancer; Hereditary breast and ovarian cancer syndrome (HBOC); BRCA1- and BRCA2-Associated Hereditary Breast and Ovarian Cancer; Hereditary breast and ovarian cancer. Identifiers: Orphanet 145, MedGen C0677776, MeSH D061325, MONDO:0003582. Disease mechanism: loss of function.

Submission:

Labcorp Genetics (formerly Invitae), Labcorp
Classification: Uncertain significance for Hereditary breast ovarian cancer syndrome. Last evaluated: 2025-09-22. Review status: criteria provided, single submitter. Criteria: Invitae Variant Classification Sherloc (09022015). Collection method: clinical testing. Allele origin: germline.
Comment: This variant, c.6389_6397del, results in the deletion of 3 amino acid(s) of the BRCA2 protein (p.Phe2130_Leu2132del), but otherwise preserves the integrity of the reading frame. This variant is not present in population databases (gnomAD no frequency). This variant has not been reported in the literature in individuals affected with BRCA2-related conditions. Experimental studies and prediction algorithms are not available or were not evaluated, and the functional significance of this variant is currently unknown. In summary, the available evidence is currently insufficient to determine the role of this variant in disease. Therefore, it has been classified as a Variant of Uncertain Significance.

NM_000059.4(BRCA2):c.6389_6397del (p.Phe2130_Leu2132del)

Gene: BRCA2 (BRCA2 DNA repair associated; plus strand). Cytogenetic location: 13q13.1.
Variant type: Deletion.
Coding change: c.6389_6397del on transcript NM_000059.4 (MANE Select); coding-DNA positions 6389 to 6397, 9 bases deleted (TTAAATTAT; older notation c.6389_6397delTTAAATTAT).
Protein change: p.Phe2130_Leu2132del.
Molecular consequence: inframe deletion. On other transcripts: non-coding transcript variant (1), intron variant (2).
Genome position (GRCh38, 1-based): chr13:32,340,744-32,340,752, TTAAATTAT deleted; deleting any 9 consecutive bases within chr13:32,340,742-32,340,752 gives the same sequence; the c. name uses the placement nearest the transcript's 3' end. VCF-style (leftmost placement, unchanged base first): chr13-32340741-AATTTAAATT-A. GRCh37 (hg19) VCF-style: chr13-32914878-AATTTAAATT-A.
Other names: c.6389_6397del, p.Phe2130_Leu2132del (NM_001406719.1, NM_001406720.1, NM_001432077.1); c.1910-3814_1910-3806del (NM_001406721.1); c.425-3814_425-3806del (NM_001406722.1).
Identifiers: ClinVar variation 4727615 (VCV004727615.1).
Genomic context (GRCh38, chr13:32,340,741, plus strand): 5'-TTGATAAGAGAAACCCAGAGCACTGTGTAAACTCAGAAATGGAAAAAACCTGCAGTAAAG[AATTTAAATT>A]ATCAAATAACTTAAATGTTGAAGGTGGTTCTTCAGAAAATAATCACTCTATTAAAGTTTC-3'